The following is an entry in ClinVar:

NM_000138.5(FBN1):c.3230C>G (p.Ser1077Cys)

Gene: FBN1 (fibrillin 1; minus strand). Cytogenetic location: 15q21.1.
Variant type: single nucleotide variant.
Coding change: c.3230C>G on transcript NM_000138.5 (MANE Select); coding-DNA position 3230, C replaced by G.
Protein change: p.Ser1077Cys; replaces serine 1077 with cysteine.
Molecular consequence: missense variant.
Genome position (GRCh38, 1-based): chr15:48,488,220, G>C on the plus strand (C>G on the coding strand, the complement: FBN1 is on the minus strand). VCF-style: chr15-48488220-G-C. GRCh37 (hg19) VCF-style: chr15-48780417-G-C.
Other names: c.3230C>G, p.Ser1077Cys (NM_001406716.1); short protein forms S1077C.
Identifiers: ClinVar variation 2578737 (VCV002578737.25), dbSNP rs2505552798, ClinGen allele CA392327629.

ClinVar aggregate classification (germline): Likely pathogenic (1 of 4 stars; one submission).

Submission:

CeGaT Center for Human Genetics Tuebingen
Classification: Likely pathogenic. Last evaluated: 2023-08-01. Review status: criteria provided, single submitter. Criteria: CeGaT Center For Human Genetics Tuebingen Variant Classification Criteria Version 2. Collection method: clinical testing. Allele origin: germline. Affected: yes. Observed: 1 variant allele.
Comment: FBN1: PM1:Strong, PM2, PM5